The following is an entry in ClinVar:

NM_019616.4(F7):c.385T>C (p.Cys129Arg)

Gene: F7 (coagulation factor VII; plus strand). Cytogenetic location: 13q34.
Variant type: single nucleotide variant.
Coding change: c.385T>C on transcript NM_019616.4 (MANE Select); coding-DNA position 385, T replaced by C.
Protein change: p.Cys129Arg; replaces cysteine 129 with arginine.
Molecular consequence: missense variant. On other transcripts: non-coding transcript variant (1).
Genome position (GRCh38, 1-based): chr13:113,115,680, T>C. VCF-style: chr13-113115680-T-C. GRCh37 (hg19) VCF-style: chr13-113769994-T-C.
Other names: p.Cys151Arg; c.451T>C, p.Cys151Arg (NM_000131.5); c.199T>C, p.Cys67Arg (NM_001267554.2); short protein forms C129R, C151R, C67R.
Identifiers: ClinVar variation 2683435 (VCV002683435.1), dbSNP rs2503041151, ClinGen allele CA388782951.

ClinVar aggregate classification (germline): Likely pathogenic (1 of 4 stars; one submission).

Submission:

Mayo Clinic Laboratories, Mayo Clinic
Classification: Likely pathogenic. Last evaluated: 2022-09-30. Review status: criteria provided, single submitter. Criteria: ACMG Guidelines, 2015. Collection method: clinical testing. Allele origin: germline. Observed: 2 variant alleles.
Comment: PP3, PM1, PM2, PM5

Literature cited by the submitters: PubMed 18282149.